The following is an entry in ClinVar:

ClinVar aggregate classification (germline): Uncertain significance (1 of 4 stars; one submission).

gnomAD v4.1: 11 of 1,614,080 alleles (0.00068%); highest among the groups gnomAD compares: African/African-American, 0.015%; no homozygotes.

Submission:

Labcorp Genetics (formerly Invitae), Labcorp
Classification: Uncertain significance. Last evaluated: 2026-01-07. Review status: criteria provided, single submitter. Criteria: Invitae Variant Classification Sherloc (09022015). Collection method: clinical testing. Allele origin: germline.
Comment: This sequence change replaces glutamine, which is neutral and polar, with arginine, which is basic and polar, at codon 806 of the HYOU1 protein (p.Gln806Arg). This variant is present in population databases (rs369557854, gnomAD 0.03%). This variant has not been reported in the literature in individuals affected with HYOU1-related conditions. An algorithm developed to predict the effect of missense changes on protein structure and function outputs the following: PolyPhen-2: "Benign". The arginine amino acid residue is found in multiple mammalian species, which suggests that this missense change does not adversely affect protein function. In summary, the available evidence is currently insufficient to determine the role of this variant in disease. Therefore, it has been classified as a Variant of Uncertain Significance.

NM_006389.5(HYOU1):c.2417A>G (p.Gln806Arg)

Gene: HYOU1 (hypoxia up-regulated 1; minus strand). Cytogenetic location: 11q23.3.
Variant type: single nucleotide variant.
Coding change: c.2417A>G on transcript NM_006389.5 (MANE Select); coding-DNA position 2417, A replaced by G.
Protein change: p.Gln806Arg; replaces glutamine 806 with arginine.
Molecular consequence: missense variant.
Genome position (GRCh38, 1-based): chr11:119,048,040, T>C on the plus strand (A>G on the coding strand, the complement: HYOU1 is on the minus strand). VCF-style: chr11-119048040-T-C. GRCh37 (hg19) VCF-style: chr11-118918752-T-C.
Other names: c.2417A>G, p.Gln806Arg (NM_001130991.3, NM_001411041.1); short protein forms Q806R.
Identifiers: ClinVar variation 4752124 (VCV004752124.1).